The following is an entry in ClinVar:

ClinVar aggregate classification (germline): Likely benign. Review status: criteria provided, single submitter (1 of 4 stars). 2 submissions from 2 submitters: Likely benign (1). 1 of the submissions does not count toward it. Last evaluated 2023-10-13.

Conditions:
CHCHD10-related disorder. Also called: CHCHD10-related condition; CHCHD10-Related Disorders. Identifiers: MedGen CN381526.

Allele frequency attached by ClinVar (database versions not stated): gnomAD 0.00001; TOPMed 0.00002.
gnomAD v4.1: 40 of 1,533,984 alleles (0.0026%); highest among the groups gnomAD compares: Non-Finnish European, 0.0033%; no homozygotes.

Submissions (2):

Blueprint Genetics
Classification: Likely benign. Last evaluated: 2023-10-13. Review status: criteria provided, single submitter. Criteria: ACMG Guidelines, 2015. Collection method: clinical testing. Allele origin: germline.

PreventionGenetics, part of Exact Sciences
Classification: Likely benign for CHCHD10-related condition. Last evaluated: 2023-03-22. Review status: no assertion criteria provided. Collection method: clinical testing. Allele origin: germline. Not counted in ClinVar's aggregate classification.
Comment: This variant is classified as likely benign based on ACMG/AMP sequence variant interpretation guidelines (Richards et al. 2015 PMID: 25741868, with internal and published modifications).

NM_213720.3(CHCHD10):c.262-28C>T

Gene: CHCHD10 (coiled-coil-helix-coiled-coil-helix domain containing 10; minus strand). Cytogenetic location: 22q11.23.
Variant type: single nucleotide variant.
Coding change: c.262-28C>T on transcript NM_213720.3 (MANE Select); 28 bases into the intron before coding-DNA position 262, C replaced by T.
Molecular consequence: intron variant.
Genome position (GRCh38, 1-based): chr22:23,766,303, G>A on the plus strand (C>T on the coding strand, the complement: CHCHD10 is on the minus strand). VCF-style: chr22-23766303-G-A. GRCh37 (hg19) VCF-style: chr22-24108490-G-A.
Other names: c.262-7C>T (NM_001301339.2).
Identifiers: ClinVar variation 3032112 (VCV003032112.3), dbSNP rs1297680297, ClinGen allele CA513743355.